The following is an entry in ClinVar:

NM_198576.4(AGRN):c.5120G>A (p.Gly1707Asp)

Gene: AGRN (agrin; plus strand). Cytogenetic location: 1p36.33.
Variant type: single nucleotide variant.
Coding change: c.5120G>A on transcript NM_198576.4 (MANE Select); coding-DNA position 5120, G replaced by A.
Protein change: p.Gly1707Asp; replaces glycine 1707 with aspartic acid.
Molecular consequence: missense variant.
Genome position (GRCh38, 1-based): chr1:1,050,570, G>A. VCF-style: chr1-1050570-G-A. GRCh37 (hg19) VCF-style: chr1-985950-G-A.
Other names: c.5120G>A, p.Gly1707Asp (NM_001305275.2); c.4805G>A, p.Gly1602Asp (NM_001364727.2); short protein forms G1602D, G1707D.
Identifiers: ClinVar variation 1713555 (VCV001713555.5), dbSNP rs2522789202, ClinGen allele CA337780355.

ClinVar aggregate classification (germline): Uncertain significance (1 of 4 stars; one submission).

Conditions:
Congenital myasthenic syndrome 8. Also called: Myasthenic syndrome, congenital, 8, with pre- and postsynaptic defects; MYASTHENIC SYNDROME, CONGENITAL, DUE TO AGRIN DEFICIENCY. Identifiers: Orphanet 590, MedGen C3808739, MONDO:0014052, OMIM 615120.

Submission:

Labcorp Genetics (formerly Invitae), Labcorp
Classification: Uncertain significance for Congenital myasthenic syndrome 8. Last evaluated: 2022-08-25. Review status: criteria provided, single submitter. Criteria: Invitae Variant Classification Sherloc (09022015). Collection method: clinical testing. Allele origin: germline.
Comment: In summary, the available evidence is currently insufficient to determine the role of this variant in disease. Therefore, it has been classified as a Variant of Uncertain Significance. Algorithms developed to predict the effect of missense changes on protein structure and function are either unavailable or do not agree on the potential impact of this missense change (SIFT: "Deleterious"; PolyPhen-2: "Probably Damaging"; Align-GVGD: "Class C0"). This missense change has been observed in individual(s) with clinical features of congenital myasthenic syndrome (Invitae). This variant is not present in population databases (gnomAD no frequency). This sequence change replaces glycine, which is neutral and non-polar, with aspartic acid, which is acidic and polar, at codon 1707 of the AGRN protein (p.Gly1707Asp).